The following is an entry in ClinVar:

NM_080680.3(COL11A2):c.1558-3C>T

Gene: COL11A2 (collagen type XI alpha 2 chain; minus strand). Cytogenetic location: 6p21.32.
Variant type: single nucleotide variant.
Coding change: c.1558-3C>T on transcript NM_080680.3 (MANE Select); 3 bases into the intron before coding-DNA position 1558, C replaced by T.
Molecular consequence: intron variant.
Genome position (GRCh38, 1-based): chr6:33,179,129, G>A on the plus strand (C>T on the coding strand, the complement: COL11A2 is on the minus strand). VCF-style: chr6-33179129-G-A. GRCh37 (hg19) VCF-style: chr6-33146906-G-A.
Other names: c.1237-3C>T (NM_080679.3); c.1300-3C>T (NM_080681.3).
Identifiers: ClinVar variation 1495119 (VCV001495119.6), dbSNP rs1771346587, ClinGen allele CA1087644248.

ClinVar aggregate classification (germline): Uncertain significance (1 of 4 stars; one submission).

Allele frequency attached by ClinVar (database versions not stated): gnomAD 0.00001; TOPMed 0.00001.
gnomAD v4.1: 1 of 1,613,606 alleles (0.000062%); highest among the groups gnomAD compares: African/African-American, 0.0013%; no homozygotes.

Submission:

Labcorp Genetics (formerly Invitae), Labcorp
Classification: Uncertain significance. Last evaluated: 2022-01-21. Review status: criteria provided, single submitter. Criteria: Invitae Variant Classification Sherloc (09022015). Collection method: clinical testing. Allele origin: germline.
Comment: In summary, the available evidence is currently insufficient to determine the role of this variant in disease. Therefore, it has been classified as a Variant of Uncertain Significance. Variants that disrupt the consensus splice site are a relatively common cause of aberrant splicing (PMID: 17576681, 9536098). Algorithms developed to predict the effect of sequence changes on RNA splicing suggest that this variant is not likely to affect RNA splicing. This sequence change falls in intron 15 of the COL11A2 gene. It does not directly change the encoded amino acid sequence of the COL11A2 protein. It affects a nucleotide within the consensus splice site. This variant is not present in population databases (gnomAD no frequency). This variant has not been reported in the literature in individuals affected with COL11A2-related conditions.

Literature cited by the submitters: PubMed 17576681; PubMed 9536098.